The following is an entry in ClinVar:

NM_000748.3(CHRNB2):c.820del (p.Leu274fs)

Gene: CHRNB2 (cholinergic receptor nicotinic beta 2 subunit; plus strand). Cytogenetic location: 1q21.3.
Variant type: Deletion.
Coding change: c.820del on transcript NM_000748.3 (MANE Select); coding-DNA position 820, one base deleted (C; older notation c.820delC).
Protein change: p.Leu274fs; shifts the reading frame from leucine 274.
Molecular consequence: frameshift variant.
Genome position (GRCh38, 1-based): chr1:154,571,643, C deleted. VCF-style (leftmost placement, unchanged base first): chr1-154571642-GC-G. GRCh37 (hg19) VCF-style: chr1-154544118-GC-G.
Other names: short protein forms L274fs.
Identifiers: ClinVar variation 2851709 (VCV002851709.3), dbSNP rs2526370200, ClinGen allele CA2648170502.
Genomic context (GRCh38, chr1:154,571,642, plus strand): 5'-CCTTGTCTTCTACCTGCCATCCGACTGTGGCGAGAAGATGACGTTGTGCATCTCAGTGCT[GC>G]TGGCGCTCACGGTCTTCCTGCTGCTCATCTCCAAGATCGTGCCTCCCACCTCCCTCGACG-3'

ClinVar aggregate classification (germline): Uncertain significance (1 of 4 stars; one submission).

Conditions:
Familial sleep-related hypermotor epilepsy. Also called: Autosomal Dominant Sleep-Related Hypermotor (Hyperkinetic) Epilepsy. Identifiers: Orphanet 98784, MedGen C3696898, MONDO:0000030.

Submission:

Labcorp Genetics (formerly Invitae), Labcorp
Classification: Uncertain significance. Last evaluated: 2023-04-03. Review status: criteria provided, single submitter. Criteria: Invitae Variant Classification Sherloc (09022015). Collection method: clinical testing. Allele origin: germline.
Comment: In summary, the available evidence is currently insufficient to determine the role of this variant in disease. Therefore, it has been classified as a Variant of Uncertain Significance. This variant has not been reported in the literature in individuals affected with CHRNB2-related conditions. Experimental studies and prediction algorithms are not available or were not evaluated, and the functional significance of this variant is currently unknown. This sequence change creates a premature translational stop signal (p.Leu274Trpfs*62) in the CHRNB2 gene. It is expected to result in an absent or disrupted protein product. However, the current clinical and genetic evidence is not sufficient to establish whether loss-of-function variants in CHRNB2 cause disease. This variant is not present in population databases (gnomAD no frequency).